The following is an entry in ClinVar:

NM_000110.4(DPYD):c.1201G>A (p.Gly401Arg)

Gene: DPYD (dihydropyrimidine dehydrogenase; minus strand). Cytogenetic location: 1p21.3.
Variant type: single nucleotide variant.
Coding change: c.1201G>A on transcript NM_000110.4 (MANE Select); coding-DNA position 1201, G replaced by A.
Protein change: p.Gly401Arg; replaces glycine 401 with arginine.
Molecular consequence: missense variant.
Genome position (GRCh38, 1-based): chr1:97,573,898, C>T on the plus strand (G>A on the coding strand, the complement: DPYD is on the minus strand). VCF-style: chr1-97573898-C-T. GRCh37 (hg19) VCF-style: chr1-98039454-C-T.
Other names: short protein forms G401R.
Identifiers: ClinVar variation 5004860 (VCV005004860.1).

ClinVar aggregate classification (germline): Uncertain significance (1 of 4 stars; one submission).

Conditions:
Dihydropyrimidine dehydrogenase deficiency (DPYDD). Also called: DPD DEFICIENCY; DPYD DEFICIENCY; Hereditary Thymine-Uraciluria. Identifiers: Orphanet 1675, MedGen C1959620, MONDO:0010130, OMIM 274270.

gnomAD v4.1: 13 of 1,613,604 alleles (0.00081%); highest among the groups gnomAD compares: African/African-American, 0.0013%; no homozygotes.

Submission:

Myriad Genetics, Inc.
Classification: Uncertain significance for Dihydropyrimidine dehydrogenase deficiency. Last evaluated: 2025-11-04. Review status: criteria provided, single submitter. Criteria: Myriad Autosomal Dominant, Autosomal Recessive and X-Linked Classification Criteria (2023). Collection method: clinical testing. Allele origin: unknown.
Comment: NM_000110.3(DPYD):c.1201G>A(G401R) is a missense variant classified as a variant of uncertain significance in the context of dihydropyrimidine dehydrogenase deficiency. G401R has not been observed in cases with relevant disease. Relevant functional assessments of this variant are available in the literature (PMID: 26804652). G401R has been observed in referenced population frequency databases. In summary, there is insufficient evidence to classify NM_000110.3(DPYD):c.1201G>A(G401R) as pathogenic or benign. Please note: this variant was assessed in the context of healthy population screening.

Literature cited by the submitters: PubMed 26804652.